The following is an entry in ClinVar:

NM_001128840.3(CACNA1D):c.2621+1G>A

Gene: CACNA1D (calcium voltage-gated channel subunit alpha1 D; plus strand). Cytogenetic location: 3p21.1.
Variant type: single nucleotide variant.
Coding change: c.2621+1G>A on transcript NM_001128840.3 (MANE Select); the canonical splice donor site of the intron after coding-DNA position 2621, G replaced by A.
Molecular consequence: splice donor variant.
Genome position (GRCh38, 1-based): chr3:53,732,963, G>A. VCF-style: chr3-53732963-G-A. GRCh37 (hg19) VCF-style: chr3-53766990-G-A.
Other names: NM_001128840.3:c.2621+1G>A; c.2621+1G>A (NM_001128839.3); c.2681+1G>A (NM_000720.4).
Identifiers: ClinVar variation 2577403 (VCV002577403.7), dbSNP rs2473798563, ClinGen allele CA353241728.

ClinVar aggregate classification (germline): Uncertain significance (1 of 4 stars; one submission).

Allele frequency attached by ClinVar (database versions not stated): gnomAD exomes below 0.00001.
gnomAD v4.1: 2 of 1,613,842 alleles (0.00012%); highest among the groups gnomAD compares: Non-Finnish European, 0.00017%; no homozygotes.

Submissions (3):

Labcorp Genetics (formerly Invitae), Labcorp
Classification: Uncertain significance. Last evaluated: 2025-02-25. Review status: criteria provided, single submitter. Criteria: Invitae Variant Classification Sherloc (09022015). Collection method: clinical testing. Allele origin: germline.
Comment: This sequence change affects a donor splice site in intron 20 of the CACNA1D gene. It is expected to disrupt RNA splicing. Variants that disrupt the donor or acceptor splice site typically lead to a loss of protein function (PMID: 16199547), however the current clinical and genetic evidence is not sufficient to establish whether loss-of-function variants in CACNA1D cause disease. This variant is not present in population databases (gnomAD no frequency). This variant has not been reported in the literature in individuals affected with CACNA1D-related conditions. ClinVar contains an entry for this variant (Variation ID: 2577403). Algorithms developed to predict the effect of sequence changes on RNA splicing suggest that this variant may disrupt the consensus splice site. In summary, the available evidence is currently insufficient to determine the role of this variant in disease. Therefore, it has been classified as a Variant of Uncertain Significance.

Dr. Peter K. Rogan Lab, Western University
No classification provided (evidence only). Condition: Malignant tumor of esophagus. Review status: no classification provided. Collection method: in vitro. Allele origin: not applicable. Functional consequence: skipped exon, retained intron. Not counted in ClinVar's aggregate classification.

MutSpliceDB: a database of splice sites variants effects on splicing, NIH
No classification provided (evidence only). Review status: no classification provided. Collection method: in vivo. Allele origin: not applicable. Functional consequence: retained intron. Not counted in ClinVar's aggregate classification.

Literature cited by the submitters: PubMed 16199547 (cited by Labcorp Genetics (formerly Invitae), Labcorp).